The following is an entry in ClinVar:

NM_007118.4(TRIO):c.5487G>A (p.Thr1829=)

Gene: TRIO (trio Rho guanine nucleotide exchange factor; plus strand). Cytogenetic location: 5p15.2.
Variant type: single nucleotide variant.
Coding change: c.5487G>A on transcript NM_007118.4 (MANE Select); coding-DNA position 5487, G replaced by A.
Protein change: p.Thr1829=; no amino-acid change (threonine 1829 retained).
Molecular consequence: synonymous variant. On other transcripts: non-coding transcript variant (1).
Genome position (GRCh38, 1-based): chr5:14,461,302, G>A. VCF-style: chr5-14461302-G-A. GRCh37 (hg19) VCF-style: chr5-14461411-G-A.
Identifiers: ClinVar variation 3390099 (VCV003390099.14).
Genomic context (GRCh38, chr5:14,461,302, plus strand): 5'-CGCCGACGCCGGCTCGCAGAAGGACTCCGACGACAGTGCGGCCACCCCGCAGGACGAGAC[G>A]GTCGAGGAGGTGAGGCTCTGCCCGCTGGTTGGGGCCGGCGTGGCGGGGCCCGCTGGGCTT-3'
Protein context (NP_009049.2, residues 1819-1839): DDSAATPQDE[Thr1829=]VEERGRNEGL

ClinVar aggregate classification (germline): Likely benign (1 of 4 stars; one submission).

gnomAD v4.1: 2 of 1,572,278 alleles (0.00013%); highest among the groups gnomAD compares: South Asian, 0.0012%; no homozygotes.

Submission:

CeGaT Center for Human Genetics Tuebingen
Classification: Likely benign. Last evaluated: 2024-11-01. Review status: criteria provided, single submitter. Criteria: CeGaT Center For Human Genetics Tuebingen Variant Classification Criteria Version 2. Collection method: clinical testing. Allele origin: germline. Affected: yes. Observed: 1 variant allele.
Comment: TRIO: BP4, BP7